The following is an entry in ClinVar:

ClinVar aggregate classification (germline): Uncertain significance (1 of 4 stars; one submission).

Submission:

Labcorp Genetics (formerly Invitae), Labcorp
Classification: Uncertain significance. Last evaluated: 2022-03-09. Review status: criteria provided, single submitter. Criteria: Invitae Variant Classification Sherloc (09022015). Collection method: clinical testing. Allele origin: germline.
Comment: In summary, the available evidence is currently insufficient to determine the role of this variant in disease. Therefore, it has been classified as a Variant of Uncertain Significance. Algorithms developed to predict the effect of missense changes on protein structure and function are either unavailable or do not agree on the potential impact of this missense change (SIFT: "Deleterious"; PolyPhen-2: "Benign"; Align-GVGD: "Class C0"). This variant has not been reported in the literature in individuals affected with USH1C-related conditions. This variant is not present in population databases (gnomAD no frequency). This sequence change replaces isoleucine, which is neutral and non-polar, with phenylalanine, which is neutral and non-polar, at codon 476 of the USH1C protein (p.Ile476Phe).

NM_153676.4(USH1C):c.2326A>T (p.Ile776Phe)

Gene: USH1C (USH1 protein network component harmonin; minus strand). Cytogenetic location: 11p15.1.
Variant type: single nucleotide variant.
Coding change: c.2326A>T on transcript NM_153676.4 (MANE Select); coding-DNA position 2326, A replaced by T.
Protein change: p.Ile776Phe; replaces isoleucine 776 with phenylalanine.
Molecular consequence: missense variant. On other transcripts: non-coding transcript variant (1).
Genome position (GRCh38, 1-based): chr11:17,501,105, T>A on the plus strand (A>T on the coding strand, the complement: USH1C is on the minus strand). VCF-style: chr11-17501105-T-A. GRCh37 (hg19) VCF-style: chr11-17522652-T-A.
Other names: c.1369A>T, p.Ile457Phe (NM_001297764.2); c.1426A>T, p.Ile476Phe (NM_005709.4); short protein forms I457F, I476F, I776F.
Identifiers: ClinVar variation 1384184 (VCV001384184.8), dbSNP rs1186647324, ClinGen allele CA379803072.